The following is an entry in ClinVar:

NM_001754.5(RUNX1):c.957T>C (p.Ser319=)

Gene: RUNX1 (RUNX family transcription factor 1; minus strand). Cytogenetic location: 21q22.12.
Variant type: single nucleotide variant.
Coding change: c.957T>C on transcript NM_001754.5 (MANE Select); coding-DNA position 957, T replaced by C.
Protein change: p.Ser319=; no amino-acid change (serine 319 retained).
Molecular consequence: synonymous variant.
Genome position (GRCh38, 1-based): chr21:34,799,311, A>G on the plus strand (T>C on the coding strand, the complement: RUNX1 is on the minus strand). VCF-style: chr21-34799311-A-G. GRCh37 (hg19) VCF-style: chr21-36171608-A-G.
Other names: NM_001754.5(RUNX1):c.957T>C; p.Ser319=; c.876T>C, p.Ser292= (NM_001001890.3); c.957T>C (NM_001754.4).
Identifiers: ClinVar variation 1107612 (VCV001107612.11), dbSNP rs2145907165, ClinGen allele CA512232177.

ClinVar aggregate classification (germline): Likely benign. Review status: reviewed by expert panel (3 of 4 stars). 3 submissions from 3 submitters: Likely benign (1). 2 of the submissions do not count toward it. Last evaluated 2024-07-11.

Conditions:
Inborn genetic diseases. Identifiers: MedGen C0950123, MeSH D030342.
Hereditary thrombocytopenia and hematologic cancer predisposition syndrome. Identifiers: Orphanet 71290, MedGen CN281654, MONDO:0011071.
Hereditary thrombocytopenia and hematological cancer predisposition syndrome associated with RUNX1. Also called: PLATELET DISORDER, ASPIRIN-LIKE; RUNX1 Familial Platelet Disorder with Associated Myeloid Malignancies; Familial Platelet Disorder with Propensity to Acute Myelogenous Leukemia; Familial thrombocytopenia with propensity to acute myelogenous leukemia. Identifiers: Orphanet 71290, MedGen C1832388, MeSH C563324, MONDO:0100083, OMIM 601399.

Allele frequency attached by ClinVar (database versions not stated): gnomAD exomes below 0.00001.
gnomAD v4.1: 1 of 1,614,178 alleles (0.000062%); highest among the groups gnomAD compares: Non-Finnish European, 0.000085%; no homozygotes.

Submissions (3):

ClinGen Myeloid Malignancy Variant Curation Expert Panel
Classification: Likely benign for Hereditary thrombocytopenia and hematologic cancer predisposition syndrome. Last evaluated: 2024-07-11. Review status: reviewed by expert panel. Criteria: ClinGen MyeloMalig ACMG Specifications v2. Collection method: curation. Allele origin: germline. Inheritance: Autosomal dominant inheritance.
Comment: NM_001754.5(RUNX1): c.957T>C (p.Ser319=) is a synonymous variant with a SpliceAI Δ score ≤ 0.20 (0.00) (BP4). Evolutionary conservation algorithms predict the site as not being conserved (PhyloP score 1.10604 < 2.0), and the variant is seen in three mammal species (BP7). This variant is completely absent from all population databases with at least 20x coverage for RUNX1 (PM2_supporting). In summary, this variant meets criteria to be classified as likely benign. ACMG/AMP criteria applied as specified by the Myeloid Malignancy Variant Curation Expert Panel for RUNX1: BP4, BP7, PM2_supporting.

Ambry Genetics
Classification: Likely benign for Inborn genetic diseases. Last evaluated: 2025-10-25. Review status: criteria provided, single submitter. Criteria: Ambry Variant Classification Scheme 2023. Collection method: clinical testing. Allele origin: germline. Not counted in ClinVar's aggregate classification.

Labcorp Genetics (formerly Invitae), Labcorp
Classification: Likely benign for Hereditary thrombocytopenia and hematological cancer predisposition syndrome associated with RUNX1. Last evaluated: 2023-10-23. Review status: criteria provided, single submitter. Criteria: Invitae Variant Classification Sherloc (09022015). Collection method: clinical testing. Allele origin: germline. Not counted in ClinVar's aggregate classification.